The following is an entry in ClinVar:

ClinVar aggregate classification (germline): Uncertain significance (1 of 4 stars; one submission).

Conditions:
Acyl-CoA oxidase deficiency. Also called: Peroxisomal acyl-CoA oxidase deficiency; STRAIGHT-CHAIN ACYL-CoA OXIDASE DEFICIENCY; Pseudoneonatal adrenoleukodystrophy. Identifiers: Orphanet 2971, MedGen C1849678, MONDO:0009919, OMIM 264470. Disease mechanism: loss of function.

Allele frequency attached by ClinVar (database versions not stated): gnomAD 0.00001; TOPMed 0.00002.
gnomAD v4.1: 57 of 1,614,076 alleles (0.0035%); highest among the groups gnomAD compares: Non-Finnish European, 0.0046%; no homozygotes.

Submission:

Labcorp Genetics (formerly Invitae), Labcorp
Classification: Uncertain significance for Acyl-CoA oxidase deficiency. Last evaluated: 2022-07-15. Review status: criteria provided, single submitter. Criteria: Invitae Variant Classification Sherloc (09022015). Collection method: clinical testing. Allele origin: germline.
Comment: This sequence change falls in intron 12 of the ACOX1 gene. It does not directly change the encoded amino acid sequence of the ACOX1 protein. It affects a nucleotide within the consensus splice site. This variant is present in population databases (no rsID available, gnomAD 0.002%). This variant has not been reported in the literature in individuals affected with ACOX1-related conditions. Variants that disrupt the consensus splice site are a relatively common cause of aberrant splicing (PMID: 17576681, 9536098). Algorithms developed to predict the effect of sequence changes on RNA splicing suggest that this variant is not likely to affect RNA splicing. In summary, the available evidence is currently insufficient to determine the role of this variant in disease. Therefore, it has been classified as a Variant of Uncertain Significance.

Literature cited by the submitters: PubMed 17576681; PubMed 9536098.

NM_004035.7(ACOX1):c.1728+4A>G

Gene: ACOX1 (acyl-CoA oxidase 1; minus strand). Cytogenetic location: 17q25.1.
Variant type: single nucleotide variant.
Coding change: c.1728+4A>G on transcript NM_004035.7 (MANE Select); 4 bases into the intron after coding-DNA position 1728, A replaced by G.
Molecular consequence: intron variant.
Genome position (GRCh38, 1-based): chr17:75,949,213, T>C on the plus strand (A>G on the coding strand, the complement: ACOX1 is on the minus strand). VCF-style: chr17-75949213-T-C. GRCh37 (hg19) VCF-style: chr17-73945294-T-C.
Other names: c.1728+4A>G (NM_007292.6); c.1614+4A>G (NM_001185039.2).
Identifiers: ClinVar variation 2153624 (VCV002153624.1), dbSNP rs1469328681, ClinGen allele CA627424061.